The following is an entry in ClinVar:

NM_014908.4(DOLK):c.38G>C (p.Gly13Ala)

Gene: DOLK (dolichol kinase; minus strand). Cytogenetic location: 9q34.11.
Variant type: single nucleotide variant.
Coding change: c.38G>C on transcript NM_014908.4 (MANE Select); coding-DNA position 38, G replaced by C.
Protein change: p.Gly13Ala; replaces glycine 13 with alanine.
Molecular consequence: missense variant.
Genome position (GRCh38, 1-based): chr9:128,947,266, C>G on the plus strand (G>C on the coding strand, the complement: DOLK is on the minus strand). VCF-style: chr9-128947266-C-G. GRCh37 (hg19) VCF-style: chr9-131709545-C-G.
Other names: short protein forms G13A.
Identifiers: ClinVar variation 3273485 (VCV003273485.1).
Genomic context (GRCh38, chr9:128,947,266, plus strand): 5'-CTCAGCACCACTGCAAACACTACTGCCGCCTCTGCCAGCACCGATCCACTCAGCGGAGCC[C>G]CAGGCCCCGGGGCCGGAGATGGGCACTCTCGGGTCATATCTCTAGACCTGGGGCTTCACG-3'
Protein context (NP_055723.1, residues 3-23): RECPSPAPGP[Gly13Ala]APLSGSVLAE

ClinVar aggregate classification (germline): Uncertain significance (1 of 4 stars; one submission).

Conditions:
Cardiovascular phenotype. Identifiers: MedGen CN230736.

Submission:

Ambry Genetics
Classification: Uncertain significance for Cardiovascular phenotype. Last evaluated: 2024-04-27. Review status: criteria provided, single submitter. Criteria: Ambry Variant Classification Scheme 2023. Collection method: clinical testing. Allele origin: germline.
Comment: The p.G13A variant (also known as c.38G>C), located in coding exon 1 of the DOLK gene, results from a G to C substitution at nucleotide position 38. The glycine at codon 13 is replaced by alanine, an amino acid with similar properties. This amino acid position is conserved. In addition, this alteration is predicted to be tolerated by in silico analysis. Based on the available evidence, the clinical significance of this variant remains unclear.